The following is an entry in ClinVar:

NM_021098.3(CACNA1H):c.4145C>T (p.Ala1382Val)

Gene: CACNA1H (calcium voltage-gated channel subunit alpha1 H; plus strand). Cytogenetic location: 16p13.3.
Variant type: single nucleotide variant.
Coding change: c.4145C>T on transcript NM_021098.3 (MANE Select); coding-DNA position 4145, C replaced by T.
Protein change: p.Ala1382Val; replaces alanine 1382 with valine.
Molecular consequence: missense variant.
Genome position (GRCh38, 1-based): chr16:1,210,893, C>T. VCF-style: chr16-1210893-C-T. GRCh37 (hg19) VCF-style: chr16-1260893-C-T.
Other names: c.4145C>T, p.Ala1382Val (NM_001005407.2); short protein forms A1382V.
Identifiers: ClinVar variation 430411 (VCV000430411.2), dbSNP rs566220434, ClinGen allele CA394177951.

ClinVar aggregate classification (germline): Uncertain significance (1 of 4 stars; one submission).

Allele frequency attached by ClinVar (database versions not stated): gnomAD 0.00001; TOPMed 0.00001.
gnomAD v4.1: 4 of 1,604,864 alleles (0.00025%); highest among the groups gnomAD compares: African/African-American, 0.0027%; no homozygotes.

Submission:

GeneDx
Classification: Uncertain significance. Last evaluated: 2017-05-19. Review status: criteria provided, single submitter. Criteria: GeneDx Variant Classification (06012015). Collection method: clinical testing. Allele origin: germline. Affected: yes.
Comment: A variant of uncertain significance has been identified in the CACNA1H gene. The A1382V variant has not been published as a pathogenic variant, nor has it been reported as a benign variant to our knowledge. The A1382V variant is not observed in large population cohorts (Lek et al., 2016; 1000 Genomes Consortium et al., 2015; Exome Variant Server). The A1382V variant is a conservative amino acid substitution, which is not likely to impact secondary protein structure as these residues share similar properties. However, this substitution occurs at a position that is conserved in mammals, and in silico analysis predicts this variant is probably damaging to the protein structure/function. Therefore, based on the currently available information, it is unclear whether this variant is a pathogenic variant or a rare benign variant.